The following is an entry in ClinVar:

NM_001379500.1(COL18A1):c.928+2T>C

Gene: COL18A1 (collagen type XVIII alpha 1 chain; plus strand). Cytogenetic location: 21q22.3.
Variant type: single nucleotide variant.
Coding change: c.928+2T>C on transcript NM_001379500.1 (MANE Select); the canonical splice donor site of the intron after coding-DNA position 928, T replaced by C.
Molecular consequence: splice donor variant.
Genome position (GRCh38, 1-based): chr21:45,476,482, T>C. VCF-style: chr21-45476482-T-C. GRCh37 (hg19) VCF-style: chr21-46896396-T-C.
Other names: NM_130445.2:c.928+2T>C; c.2173+2T>C (NM_130444.3); c.1468+2T>C (NM_030582.4).
Identifiers: ClinVar variation 1335960 (VCV001335960.12), dbSNP rs907713687, ClinGen allele CA321913705.
Genomic context (GRCh38, chr21:45,476,482, plus strand): 5'-CACGGAAGATTCCAGAAGTGAAGAAGTCGAGGAGCAGACCACGGTGGCTTCGTTAGGAGG[T>C]AAGCTCTTTTCTGGATGTGGTGTGTGTGTGGTGTGGGGTGTGTGTGGTGTGTAACGTGTG-3'

ClinVar aggregate classification (germline): Likely pathogenic. Review status: criteria provided, multiple submitters, no conflicts (2 of 4 stars). 3 submissions from 3 submitters: Likely pathogenic (3). Last evaluated 2025-07-02.

Conditions:
COL18A1-related disorder. Also called: COL18A1-related disorders; COL18A1-related condition.

Allele frequency attached by ClinVar (database versions not stated): gnomAD exomes 0.00001; TOPMed 0.00003; gnomAD 0.00005 and 0.00007.
gnomAD v4.1: 11 of 1,599,454 alleles (0.00069%); highest among the groups gnomAD compares: African/African-American, 0.013%; no homozygotes.

Submissions (3):

Labcorp Genetics (formerly Invitae), Labcorp
Classification: Likely pathogenic. Last evaluated: 2025-07-02. Review status: criteria provided, single submitter. Criteria: Invitae Variant Classification Sherloc (09022015). Collection method: clinical testing. Allele origin: germline.
Comment: This sequence change affects a donor splice site in intron 6 of the COL18A1 gene. It is expected to disrupt RNA splicing. Variants that disrupt the donor or acceptor splice site typically lead to a loss of protein function (PMID: 16199547), and loss-of-function variants in COL18A1 are known to be pathogenic (PMID: 12415512, 25456301). The frequency data for this variant in the population databases is considered unreliable, as metrics indicate poor data quality at this position in the gnomAD database. This variant has not been reported in the literature in individuals affected with COL18A1-related conditions. ClinVar contains an entry for this variant (Variation ID: 1335960). Algorithms developed to predict the effect of sequence changes on RNA splicing suggest that this variant may disrupt the consensus splice site. In summary, the currently available evidence indicates that the variant is pathogenic, but additional data are needed to prove that conclusively. Therefore, this variant has been classified as Likely Pathogenic.

Genetic Services Laboratory, University of Chicago
Classification: Likely pathogenic. Last evaluated: 2021-12-14. Review status: criteria provided, single submitter. Criteria: ACMG Guidelines, 2015. Collection method: clinical testing. Allele origin: germline. Affected: yes.
Comment: This sequence change does not appear to have been previously described in individuals with COL18A1-related disorders. However, other truncating variants located downstream to this position have been described in the literature (PMIDs: 18484314, 12415512). This sequence change has been described in the gnomAD database with a frequency of 0.0016% (dbSNP rs907713687) .This sequence change is predicted to affect normal splicing of the COL18A1 gene and result in an abnormal protein, however functional studies have not been performed to prove this conclusively.

Blueprint Genetics
Classification: Likely pathogenic for COL18A1-related disorders. Last evaluated: 2020-01-31. Review status: criteria provided, single submitter. Criteria: ACMG Guidelines, 2015. Collection method: clinical testing. Allele origin: germline. Affected: yes. Observed: 1 variant allele.

Literature cited by the submitters: PubMed 16199547 (cited by Labcorp Genetics (formerly Invitae), Labcorp); PubMed 12415512 (cited by Labcorp Genetics (formerly Invitae), Labcorp); PubMed 25456301 (cited by Labcorp Genetics (formerly Invitae), Labcorp).